The following is an entry in ClinVar:

ClinVar aggregate classification (germline): Uncertain significance. Review status: criteria provided, multiple submitters, no conflicts (2 of 4 stars). 2 submissions from 2 submitters: Uncertain significance (2). Last evaluated 2026-02-12.

Allele frequency attached by ClinVar (database versions not stated): gnomAD exomes 0.00004; ExAC 0.00005; TOPMed 0.00013.
gnomAD v4.1: 72 of 1,613,938 alleles (0.0045%); highest among the groups gnomAD compares: African/African-American, 0.023%; no homozygotes.

Submissions (2):

GeneDx
Classification: Uncertain significance. Last evaluated: 2026-02-12. Review status: criteria provided, single submitter. Criteria: GeneDx Variant Classification Process June 2021. Collection method: clinical testing. Allele origin: germline.
Comment: In silico analysis suggests that this missense variant does not alter protein structure/function; Has not been previously published as pathogenic or benign to our knowledge

Labcorp Genetics (formerly Invitae), Labcorp
Classification: Uncertain significance. Last evaluated: 2021-09-18. Review status: criteria provided, single submitter. Criteria: Invitae Variant Classification Sherloc (09022015). Collection method: clinical testing. Allele origin: germline.
Comment: This sequence change replaces glycine with serine at codon 155 of the CLDN14 protein (p.Gly155Ser). The glycine residue is highly conserved and there is a small physicochemical difference between glycine and serine. This variant is present in population databases (rs749603296, ExAC 0.03%). This variant has not been reported in the literature in individuals affected with CLDN14-related conditions. Algorithms developed to predict the effect of missense changes on protein structure and function output the following: SIFT: "Tolerated"; PolyPhen-2: "Benign"; Align-GVGD: "Class C0". The serine amino acid residue is found in multiple mammalian species, which suggests that this missense change does not adversely affect protein function. Algorithms developed to predict the effect of sequence changes on RNA splicing suggest that this variant may create or strengthen a splice site. In summary, the available evidence is currently insufficient to determine the role of this variant in disease. Therefore, it has been classified as a Variant of Uncertain Significance.

NM_001146079.2(CLDN14):c.463G>A (p.Gly155Ser)

Genes: CLDN14 (claudin 14; minus strand), CLDN14-AS1 (CLDN14 antisense RNA 1; plus strand). Cytogenetic location: 21q22.13.
Variant type: single nucleotide variant.
Coding change: c.463G>A on transcript NM_001146079.2 (MANE Select); coding-DNA position 463, G replaced by A.
Protein change: p.Gly155Ser; replaces glycine 155 with serine.
Molecular consequence: missense variant.
Genome position (GRCh38, 1-based): chr21:36,461,233, C>T on the plus strand (G>A on the coding strand, the complement: CLDN14 is on the minus strand). VCF-style: chr21-36461233-C-T. GRCh37 (hg19) VCF-style: chr21-37833531-C-T.
Other names: c.463G>A, p.Gly155Ser (NM_001146077.2, NM_001146078.3, NM_012130.4 and 1 more transcripts); c.463G>A (NM_144492.2); short protein forms G155S.
Identifiers: ClinVar variation 1473507 (VCV001473507.7), dbSNP rs749603296, ClinGen allele CA10019251.